The following is an entry in ClinVar:

ClinVar aggregate classification (germline): Uncertain significance (1 of 4 stars; one submission).

Conditions:
Pyruvate dehydrogenase E3 deficiency (DLDD). Also called: Lipoamide dehydrogenase deficiency; Dihydrolipoamide Dehydrogenase (E3) Deficiency; MAPLE SYRUP URINE DISEASE, TYPE III; Dihydrolipoamide Dehydrogenase Deficiency; DLD DEFICIENCY; E3 DEFICIENCY. Identifiers: Orphanet 2394, Orphanet 765, MedGen C5574660, MONDO:0009529, OMIM 246900.

Submission:

Labcorp Genetics (formerly Invitae), Labcorp
Classification: Uncertain significance for Pyruvate dehydrogenase E3 deficiency. Last evaluated: 2023-12-19. Review status: criteria provided, single submitter. Criteria: Invitae Variant Classification Sherloc (09022015). Collection method: clinical testing. Allele origin: germline.
Comment: This sequence change replaces serine, which is neutral and polar, with leucine, which is neutral and non-polar, at codon 506 of the DLD protein (p.Ser506Leu). This variant is not present in population databases (gnomAD no frequency). This variant has not been reported in the literature in individuals affected with DLD-related conditions. An algorithm developed to predict the effect of missense changes on protein structure and function (PolyPhen-2) suggests that this variant is likely to be tolerated. In summary, the available evidence is currently insufficient to determine the role of this variant in disease. Therefore, it has been classified as a Variant of Uncertain Significance.

NM_000108.5(DLD):c.1517C>T (p.Ser506Leu)

Gene: DLD (dihydrolipoamide dehydrogenase; plus strand). Cytogenetic location: 7q31.1.
Variant type: single nucleotide variant.
Coding change: c.1517C>T on transcript NM_000108.5 (MANE Select); coding-DNA position 1517, C replaced by T.
Protein change: p.Ser506Leu; replaces serine 506 with leucine.
Molecular consequence: missense variant.
Genome position (GRCh38, 1-based): chr7:107,919,246, C>T. VCF-style: chr7-107919246-C-T. GRCh37 (hg19) VCF-style: chr7-107559691-C-T.
Other names: c.1448C>T, p.Ser483Leu (NM_001289751.1); c.1373C>T, p.Ser458Leu (NM_001289752.1); c.1220C>T, p.Ser407Leu (NM_001289750.1); short protein forms S458L, S483L, S407L, S506L.
Identifiers: ClinVar variation 2797384 (VCV002797384.3), dbSNP rs1382247182, ClinGen allele CA368859692.